The following is an entry in ClinVar:

ClinVar aggregate classification (germline): Conflicting classifications of pathogenicity. Review status: criteria provided, conflicting classifications (1 of 4 stars). 7 submissions from 7 submitters: Likely pathogenic (3); Uncertain significance (4). Last evaluated 2026-07-21.

Conditions:
Autosomal recessive RNU4ATAC-related disorders.
Roifman syndrome (RFMN). Also called: SPONDYLOEPIPHYSEAL DYSPLASIA, RETINAL DYSTROPHY, AND ANTIBODY DEFICIENCY. Identifiers: Orphanet 353298, MedGen C1846059, MONDO:0014722, OMIM 616651.
Retinal disorder. Also called: Retinopathy; Retinopathies; Retinal Diseases; Retinal disorders. Identifiers: MedGen C0035309, MONDO:0005283, HP:0000488.

Allele frequency attached by ClinVar (database versions not stated): TOPMed 0.00003; gnomAD exomes 0.00004; gnomAD 0.00008.
gnomAD v4.1: 30 of 694,810 alleles (0.0043%); highest among the groups gnomAD compares: East Asian, 0.011%; no homozygotes.

Submissions (7):

Genetics Laboratory, Great Ormond Street Hospital NHS Foundation Trust, North Thames Genomic Laboratory Hub
Classification: Uncertain significance for Retinal disorders. Last evaluated: 2026-07-21. Review status: criteria provided, single submitter. Criteria: ACGS Best Practice Guidelines for Variant Classification in Rare Disease 2024 v1.2. Collection method: clinical testing. Allele origin: germline. Affected: yes.
Comment: PM2_moderate, PM1_moderate

Variantyx, Inc.
Classification: Likely pathogenic for Autosomal recessive RNU4ATAC-related disorders. Last evaluated: 2025-06-20. Review status: criteria provided, single submitter. Criteria: Variantyx Assertion Criteria 2022. Collection method: clinical testing. Allele origin: germline. Inheritance: Autosomal recessive inheritance. Affected: yes.
Comment: This is a non-coding transcript variant in the RNU4ATAC gene (OMIM: 601428). Pathogenic variants in this gene have been associated with autosomal recessive RNU4ATAC-related disorders. The alteration lies within a known hotspot for pathogenic variants or a well-established critical functional domain of the RNU4ATAC gene (PMID: 32628740) (PM1). This variant has a 0.0108% maximum allele frequency in non-founder control populations (PM2). Based on the current evidence, this variant is classified as likely pathogenic for autosomal recessive RNU4ATAC-related disorders.

Labcorp Genetics (formerly Invitae), Labcorp
Classification: Uncertain significance. Last evaluated: 2024-10-21. Review status: criteria provided, single submitter. Criteria: Invitae Variant Classification Sherloc (09022015). Collection method: clinical testing. Allele origin: germline.
Comment: This variant occurs in the RNU4ATAC gene, which encodes an RNA molecule that does not result in a protein product. This variant is present in population databases (no rsID available, gnomAD 0.01%). This variant has not been reported in the literature in individuals affected with RNU4ATAC-related conditions. ClinVar contains an entry for this variant (Variation ID: 932368). In summary, the available evidence is currently insufficient to determine the role of this variant in disease. Therefore, it has been classified as a Variant of Uncertain Significance.

Department of Human Genetics, Hannover Medical School
Classification: Likely pathogenic for Roifman syndrome. Last evaluated: 2023-10-25. Review status: criteria provided, single submitter. Criteria: ACMG Guidelines, 2015. Collection method: clinical testing. Allele origin: germline. Inheritance: Autosomal recessive inheritance. Affected: yes.

Victorian Clinical Genetics Services, Murdoch Childrens Research Institute
Classification: Likely pathogenic for Roifman syndrome. Last evaluated: 2021-05-06. Review status: criteria provided, single submitter. Criteria: ACMG Guidelines, 2015. Collection method: clinical testing. Allele origin: germline. Inheritance: Autosomal recessive inheritance. Affected: yes.
Comment: Based on the classification scheme VCGS_Germline_v1.3.4, this variant is classified as Likely Pathogenic. Following criteria are met: 0102 - Loss of function is a known mechanism of disease in this gene and is associated with microcephalic osteodysplastic primordial dwarfism, type I (MOPD1) (MIM# 210710) and Roifman syndrome (MIM# 616651). (I) 0106 - This gene is associated with autosomal recessive disease. (I) 0218 - Non-coding variant without predicted effect on gene expression of downstream targets. This small nuclear RNA forms part of a spliceosome essential for minor intron splicing (PMID: 26522830). (I) 0251 - This variant is heterozygous. (I) 0304 - Variant is present in gnomAD <0.01 for a recessive condition (v3: 12 heterozygotes, 0 homozygotes). (SP) 0601 - Variant is located in the well-established functional stem II structure (PMID: 26522830). (SP) 0705 - No comparable variants have previous evidence for pathogenicity. (I) 0809 - Previous evidence of pathogenicity for this variant is inconclusive. This variant has been classified as a VUS by a diagnostic laboratory in ClinVar. (I) 0905 - No published segregation evidence has been identified for this variant. (I) 1007 - No published functional evidence has been identified for this variant. (I) 1101 - Very strong and specific phenotype match for this individual. (SP) 1201 - Heterozygous variant detected in trans with a second likely pathogenic heterozygous variant (NR_023343.1:n.50G>A) in a recessive disease. (I) Legend: (SP) - Supporting pathogenic, (I) - Information, (SB) - Supporting benign

CeGaT Center for Human Genetics Tuebingen
Classification: Uncertain significance. Last evaluated: 2020-06-01. Review status: criteria provided, single submitter. Criteria: CeGaT Center For Human Genetics Tuebingen Variant Classification Criteria Version 2. Collection method: clinical testing. Allele origin: germline. Affected: yes. Observed: 1 variant allele.

Blueprint Genetics
Classification: Uncertain significance. Last evaluated: 2019-04-03. Review status: criteria provided, single submitter. Criteria: ACMG Guidelines, 2015. Collection method: clinical testing. Allele origin: germline.

Literature cited by the submitters: PubMed 37291213 (cited by Variantyx, Inc.); PubMed 29263834 (cited by Variantyx, Inc.); PubMed 32628740 (cited by Variantyx, Inc.); PubMed 26522830 (cited by Victorian Clinical Genetics Services, Murdoch Childrens Research Institute).

NR_023343.3(RNU4ATAC):n.18G>A

Genes: RNU4ATAC (RNA, U4atac small nuclear; plus strand), CLASP1-AS1 (CLASP1 antisense RNA 1; plus strand), CLASP1 (cytoplasmic linker associated protein 1; minus strand). Cytogenetic location: 2q14.2.
Variant type: single nucleotide variant.
Molecular consequence: intron variant (on NM_001395891.1).
Genome position: GRCh38 VCF-style: chr2-121530897-G-A. GRCh37 (hg19) VCF-style: chr2-122288473-G-A.
Other names: c.196-572C>T (NM_001142274.2, NM_015282.3, NM_001378003.1 and 5 more transcripts).
Identifiers: ClinVar variation 932368 (VCV000932368.47), dbSNP rs991806266, ClinGen allele CA54810780.